The following is an entry in ClinVar:

NM_033109.5(PNPT1):c.94C>G (p.Gln32Glu)

Genes: PNPT1 (polyribonucleotide nucleotidyltransferase 1; minus strand), LOC129933770 (ATAC-STARR-seq lymphoblastoid active region 15785; plus strand). Cytogenetic location: 2p16.1.
Variant type: single nucleotide variant.
Coding change: c.94C>G on transcript NM_033109.5 (MANE Select); coding-DNA position 94, C replaced by G.
Protein change: p.Gln32Glu; replaces glutamine 32 with glutamic acid.
Molecular consequence: missense variant.
Genome position (GRCh38, 1-based): chr2:55,693,730, G>C on the plus strand (C>G on the coding strand, the complement: PNPT1 is on the minus strand). VCF-style: chr2-55693730-G-C. GRCh37 (hg19) VCF-style: chr2-55920865-G-C.
Other names: c.94C>G (NM_033109.4); short protein forms Q32E.
Identifiers: ClinVar variation 3216132 (VCV003216132.2), dbSNP rs1305981751, ClinGen allele CA346946198.

ClinVar aggregate classification (germline): Uncertain significance. Review status: criteria provided, multiple submitters, no conflicts (2 of 4 stars). 2 submissions from 2 submitters: Uncertain significance (2). Last evaluated 2026-02-25.

Conditions:
Inborn genetic diseases. Identifiers: MedGen C0950123, MeSH D030342.

Allele frequency attached by ClinVar (database versions not stated): gnomAD exomes below 0.00001; TOPMed below 0.00001.
gnomAD v4.1: 2 of 1,614,200 alleles (0.00012%); highest among the groups gnomAD compares: African/African-American, 0.0013%; no homozygotes.

Submissions (2):

GeneDx
Classification: Uncertain significance. Last evaluated: 2026-02-25. Review status: criteria provided, single submitter. Criteria: GeneDx Variant Classification Process June 2021. Collection method: clinical testing. Allele origin: germline.
Comment: Not observed at significant frequency in large population cohorts (gnomAD); In silico analysis suggests that this missense variant does not alter protein structure/function; Has not been previously published as pathogenic or benign to our knowledge

Ambry Genetics
Classification: Uncertain significance for Inborn genetic diseases. Last evaluated: 2023-09-20. Review status: criteria provided, single submitter. Criteria: Ambry Variant Classification Scheme 2023. Collection method: clinical testing. Allele origin: germline.